The following is an entry in ClinVar:

NM_181741.4(ORC4):c.36del (p.His13fs)

Gene: ORC4 (origin recognition complex subunit 4; minus strand). Cytogenetic location: 2q23.1.
Variant type: Deletion.
Coding change: c.36del on transcript NM_181741.4 (MANE Select); coding-DNA position 36, one base deleted (T; older notation c.36delT).
Protein change: p.His13fs; shifts the reading frame from histidine 13.
Molecular consequence: frameshift variant. On other transcripts: 5 prime UTR variant (1), intron variant (2).
Genome position (GRCh38, 1-based): chr2:147,975,923, A deleted on the plus strand (T on the coding strand, the reverse complement: ORC4 is on the minus strand); the first of 2 consecutive A bases (chr2:147,975,923-147,975,924); deleting either gives the same sequence. VCF-style (leftmost placement, unchanged base first): chr2-147975922-GA-G. GRCh37 (hg19) VCF-style: chr2-148733491-GA-G.
Other names: c.36del, p.His13fs (NM_001190879.3, NM_001374270.1, NM_002552.5); c.-282del (NM_001374272.1); c.35delT, p.His13Thrfs (NM_181742.5); c.-27-17057del (NM_001190881.3); c.-165-2399del (NM_001190882.3); short protein forms H13fs.
Identifiers: ClinVar variation 4729976 (VCV004729976.1).

ClinVar aggregate classification (germline): Pathogenic (1 of 4 stars; one submission).

Submission:

Labcorp Genetics (formerly Invitae), Labcorp
Classification: Pathogenic. Last evaluated: 2025-11-01. Review status: criteria provided, single submitter. Criteria: Invitae Variant Classification Sherloc (09022015). Collection method: clinical testing. Allele origin: germline.
Comment: This sequence change creates a premature translational stop signal (p.His13Thrfs*35) in the ORC4 gene. It is expected to result in an absent or disrupted protein product. Loss-of-function variants in ORC4 are known to be pathogenic (PMID: 21358631, 21358632, 22333897). This variant is not present in population databases (gnomAD no frequency). This variant has not been reported in the literature in individuals affected with ORC4-related conditions. For these reasons, this variant has been classified as Pathogenic.

Literature cited by the submitters: PubMed 21358631; PubMed 21358632; PubMed 22333897.